The following is an entry in ClinVar:

NM_000642.3(AGL):c.1735+1G>T

Gene: AGL (amylo-alpha-1,6-glucosidase and 4-alpha-glucanotransferase; plus strand). Cytogenetic location: 1p21.2.
Variant type: single nucleotide variant.
Coding change: c.1735+1G>T on transcript NM_000642.3 (MANE Select); the canonical splice donor site of the intron after coding-DNA position 1735, G replaced by T.
Molecular consequence: splice donor variant.
Genome position (GRCh38, 1-based): chr1:99,880,047, G>T. VCF-style: chr1-99880047-G-T. GRCh37 (hg19) VCF-style: chr1-100345603-G-T.
Other names: IVS14DS, G-T, +1; c.1735+1G>T (NM_000643.3, NM_000644.3, NM_001425326.1 and 2 more transcripts); c.1687+1G>T (NM_000646.3); c.1534+1G>T (NM_001425327.1); c.1531+1G>T (NM_001425328.1, NM_001425329.1); c.1357+1G>T (NM_001425332.1).
Identifiers: ClinVar variation 1100 (VCV000001100.27), dbSNP rs199922945, ClinGen allele CA114760.
Genomic context (GRCh38, chr1:99,880,047, plus strand): 5'-GAAGTGAAGATCTGGACAATGTCTTTGTTACTAGACTGGGCATTAGTTCCTTAATAAGAG[G>T]TAGGCTTGTTGGAGTGTATTTCCCTCTAAAACTTTAGCTTTTGTTTAAGTAGATTAAAGG-3'

ClinVar aggregate classification (germline): Pathogenic/Likely pathogenic. Review status: criteria provided, multiple submitters, no conflicts (2 of 4 stars). 11 submissions from 11 submitters: Pathogenic (9); Likely pathogenic (1). 1 of the submissions does not count toward it. Last evaluated 2025-10-21.

Conditions:
AGL-related disorder. Also called: AGL-related condition.
Glycogen storage disease IIIa (GSD IIIa). Also called: Glycogen Storage Disease Type IIIa (GSD IIIa). Identifiers: MedGen C1968739.
Glycogen storage disease type III (GSD3). Also called: Cori disease; FORBES DISEASE. Identifiers: Orphanet 366, MedGen C0017922, MONDO:0009291, OMIM 232400.

Allele frequency attached by ClinVar (database versions not stated): gnomAD 0.00001; gnomAD exomes 0.00001; ExAC 0.00002; TOPMed 0.00002; 1000 Genomes Project 30x 0.00016; 1000 Genomes Project 0.00020.
gnomAD v4.1: 9 of 1,613,308 alleles (0.00056%); highest among the groups gnomAD compares: East Asian, 0.016%; no homozygotes.

Submissions (11):

3billion
Classification: Pathogenic for Glycogen storage disease type III. Last evaluated: 2025-10-21. Review status: criteria provided, single submitter. Criteria: ACMG Guidelines, 2015. Collection method: clinical testing. Allele origin: germline. Affected: yes.
Comment: The variant is observed at an extremely low frequency in the gnomAD v4.1.0 dataset (total allele frequency: <0.001%). Predicted Consequence/Location: Canonical splice site: predicted to alter splicing and result in a loss or disruption of normal protein function. Multiple pathogenic loss-of-function variants are reported downstream of the variant. In silico tools predict the variant to alter splicing and produce an abnormal transcript [SpliceAI: 0.98 (spliceogenicity >=0.2, non-spliceogenicity <0.1)]. The variant has been reported at least twice as pathogenic with clinical assertions and evidence for the classification (ClinVar ID: VCV000001100 /PMID: 8702417 /3billion dataset). Therefore, this variant is classified as Pathogenic according to the recommendation of ACMG/AMP guideline.

Natera, Inc.
Classification: Pathogenic for Glycogen storage disease type III. Last evaluated: 2025-07-03. Review status: criteria provided, single submitter. Criteria: Natera Variant Classification Schema (03/2026). Collection method: clinical testing. Allele origin: germline.
Comment: The c.1735+1G>T variant in AGL is a canonical splice donor site variant predicted to affect pre-mRNA splicing, which may result in an abnormal transcript and altered protein product. This variant is expected to result in nonsense mediated decay, truncation, or a dysfunctional protein product. This variant is rare in the general population with a frequency below the threshold expected for the associated phenotype(s). This variant has been observed in one or more individuals affected with the associated recessive disease, as either homozygous or compound heterozygous with a second variant (PMID: 22899091, 31661040). Given the available evidence, this variant is classified as Pathogenic.

Labcorp Genetics (formerly Invitae), Labcorp
Classification: Pathogenic for Glycogen storage disease type III. Last evaluated: 2025-02-15. Review status: criteria provided, single submitter. Criteria: Invitae Variant Classification Sherloc (09022015). Collection method: clinical testing. Allele origin: germline.
Comment: This sequence change affects a donor splice site in intron 13 of the AGL gene. RNA analysis indicates that disruption of this splice site induces altered splicing and may result in an absent or altered protein product. This variant is present in population databases (rs199922945, gnomAD 0.01%). Disruption of this splice site has been observed in individuals with glycogen storage disease type III (PMID: 8702417, 29614965). It has also been observed to segregate with disease in related individuals. This variant is also known as IVS G +1 to T. ClinVar contains an entry for this variant (Variation ID: 1100). Studies have shown that disruption of this splice site results in skipping of exon 13, and produces a non-functional protein and/or introduces a premature termination codon (PMID: 8702417). For these reasons, this variant has been classified as Pathogenic.

Baylor Genetics
Classification: Pathogenic for Glycogen storage disease type III. Last evaluated: 2024-03-22. Review status: criteria provided, single submitter. Criteria: ACMG Guidelines, 2015. Collection method: clinical testing. Allele origin: unknown.

Blueprint Genetics
Classification: Pathogenic for AGL-related disorders. Last evaluated: 2023-02-02. Review status: criteria provided, single submitter. Criteria: ACMG Guidelines, 2015. Collection method: clinical testing. Allele origin: germline. Affected: yes. Observed: 3 variant alleles.

Myriad Genetics, Inc.
Classification: Pathogenic for Glycogen storage disease type III. Last evaluated: 2021-11-23. Review status: criteria provided, single submitter. Criteria: Myriad Women's Health Autosomal Recessive and X-Linked Classification Criteria (2021). Collection method: clinical testing. Allele origin: unknown.
Comment: NM_000642.2(AGL):c.1735+1G>T is a canonical splice variant classified as pathogenic in the context of glycogen storage disease type III. c.1735+1G>T has been observed in cases with relevant disease (PMID: 10982190, 8702417, 32772503). Functional assessments of this variant are available in the literature (PMID: 8702417). c.1735+1G>T has been observed in population frequency databases (gnomAD: EAS 0.02%). In summary, NM_000642.2(AGL):c.1735+1G>T is a canonical splice variant in a gene where loss of function is a known mechanism of disease, is predicted to disrupt protein function, and has been observed more frequently in cases with the relevant disease than in healthy populations. Please note: this variant was assessed in the context of healthy population screening.

Genome-Nilou Lab
Classification: Pathogenic for Glycogen storage disease type III. Last evaluated: 2021-07-15. Review status: criteria provided, single submitter. Criteria: ACMG Guidelines, 2015. Collection method: clinical testing. Allele origin: germline. Affected: no.

Centre for Human Genetics
Classification: Likely pathogenic for Glycogen storage disease type III. Last evaluated: 2020-08-27. Review status: criteria provided, single submitter. Criteria: ACMG Guidelines, 2015. Collection method: clinical testing. Allele origin: inherited. Inheritance: Autosomal recessive inheritance. Affected: yes. Observed: 1 variant allele.
Comment: disease causing

Women's Health and Genetics/Laboratory Corporation of America, LabCorp
Classification: Pathogenic for Glycogen storage disease type III. Last evaluated: 2019-07-25. Review status: criteria provided, single submitter. Criteria: LabCorp Variant Classification Summary - May 2015. Collection method: clinical testing. Allele origin: germline.
Comment: Variant summary: AGL c.1735+1G>T is located in a canonical splice-site and is predicted to affect mRNA splicing resulting in a significantly altered protein due to either exon skipping, shortening, or inclusion of intronic material. Several computational tools predict a significant impact on normal splicing: three predict the variant abolishes a 5 splicing donor site; one predicts the variant weakens a 5' donor site. Following cDNA sequence analysis, Okubo_1996 reported this donor splice site variant to result in skipping of the upstream exon causing a premature termination due to frameshift. The variant allele was found at a frequency of 1.2e-05 in 251302 control chromosomes (gnomAD). c.1735+1G>T has been reported in the literature in the compound heterozygous and also homozygous state in multiple individuals affected with Glycogen Storage Disease Type III (Okubo_1996, Lu_2016, Wang_2013). These data indicate that the variant is very likely to be associated with disease. No clinical diagnostic laboratories have submitted clinical-significance assessments for this variant to ClinVar after 2014. Based on the evidence outlined above, the variant was classified as pathogenic.

Juno Genomics, Hangzhou Juno Genomics, Inc
Classification: Pathogenic for Glycogen storage disease type III. Review status: criteria provided, single submitter. Criteria: ACMG Guidelines, 2015. Collection method: clinical testing. Allele origin: germline. Affected: yes.
Comment: Absent from controls (or at extremely low frequency if recessive) in Genome Aggregation Database, Exome Sequencing Project, 1000 Genomes Project, or Exome Aggregation Consortium.;Null variant in a gene where loss of function (LOF) is a known mechanism of disease.;For recessive disorders, detected in trans with a pathogenic variant.;Patient's phenotype or family history is highly specific for a disease with a single genetic etiology.

OMIM
Classification: Pathogenic for GLYCOGEN STORAGE DISEASE, TYPE IIIa. Last evaluated: 1996-07-16. Review status: no assertion criteria provided. Collection method: literature only. Allele origin: germline. Not counted in ClinVar's aggregate classification.

Literature cited by the submitters: PubMed 8702417 (cited by 5 submitters); PubMed 22899091 (cited by Natera, Inc. and Women's Health and Genetics/Laboratory Corporation of America, LabCorp); PubMed 31661040 (cited by Natera, Inc.); PubMed 29614965 (cited by Labcorp Genetics (formerly Invitae), Labcorp); PubMed 10982190 (cited by Myriad Genetics, Inc.); PubMed 32772503 (cited by Myriad Genetics, Inc.); PubMed 26984562 (cited by Women's Health and Genetics/Laboratory Corporation of America, LabCorp).